The following is an entry in ClinVar:

NM_002439.5(MSH3):c.1018A>G (p.Ile340Val)

Genes: MSH3 (mutS homolog 3; plus strand), LOC126807437 (MED14-independent group 3 enhancer GRCh37_chr5:79968379-79969578; plus strand). Cytogenetic location: 5q14.1.
Variant type: single nucleotide variant.
Coding change: c.1018A>G on transcript NM_002439.5 (MANE Select); coding-DNA position 1018, A replaced by G.
Protein change: p.Ile340Val; replaces isoleucine 340 with valine.
Molecular consequence: missense variant.
Genome position (GRCh38, 1-based): chr5:80,672,849, A>G. VCF-style: chr5-80672849-A-G. GRCh37 (hg19) VCF-style: chr5-79968668-A-G.
Other names: c.1018A>G (NM_002439.3); short protein forms I340V.
Identifiers: ClinVar variation 949424 (VCV000949424.11), dbSNP rs1487436261, ClinGen allele CA360267542.

ClinVar aggregate classification (germline): Uncertain significance. Review status: criteria provided, multiple submitters, no conflicts (2 of 4 stars). 2 submissions from 2 submitters: Uncertain significance (2). Last evaluated 2025-05-24.

Conditions:
Hereditary cancer-predisposing syndrome. Also called: Hereditary neoplastic syndrome; Neoplastic Syndromes, Hereditary; Tumor predisposition; Hereditary Cancer Syndrome. Identifiers: Orphanet 140162, MedGen C0027672, MeSH D009386, MONDO:0015356.

Allele frequency attached by ClinVar (database versions not stated): gnomAD 0.00001; gnomAD exomes 0.00001.

Submissions (2):

Ambry Genetics
Classification: Uncertain significance for Hereditary cancer-predisposing syndrome. Last evaluated: 2025-05-24. Review status: criteria provided, single submitter. Criteria: Ambry Variant Classification Scheme 2023. Collection method: clinical testing. Allele origin: germline.
Comment: The p.I340V variant (also known as c.1018A>G), located in coding exon 6 of the MSH3 gene, results from an A to G substitution at nucleotide position 1018. The isoleucine at codon 340 is replaced by valine, an amino acid with highly similar properties. This amino acid position is conserved. In addition, this alteration is predicted to be tolerated by in silico analysis. Based on the available evidence, the clinical significance of this variant remains unclear.

Labcorp Genetics (formerly Invitae), Labcorp
Classification: Uncertain significance. Last evaluated: 2022-03-08. Review status: criteria provided, single submitter. Criteria: Invitae Variant Classification Sherloc (09022015). Collection method: clinical testing. Allele origin: germline.
Comment: Algorithms developed to predict the effect of missense changes on protein structure and function are either unavailable or do not agree on the potential impact of this missense change (SIFT: "Tolerated"; PolyPhen-2: "Possibly Damaging"; Align-GVGD: "Class C0"). In summary, the available evidence is currently insufficient to determine the role of this variant in disease. Therefore, it has been classified as a Variant of Uncertain Significance. This sequence change replaces isoleucine, which is neutral and non-polar, with valine, which is neutral and non-polar, at codon 340 of the MSH3 protein (p.Ile340Val). This variant is present in population databases (no rsID available, gnomAD 0.06%). This variant has not been reported in the literature in individuals affected with MSH3-related conditions. ClinVar contains an entry for this variant (Variation ID: 949424).